The following is an entry in ClinVar:

NM_000051.4(ATM):c.3858C>T (p.Cys1286=)

Gene: ATM (ATM serine/threonine kinase; plus strand). Cytogenetic location: 11q22.3.
Variant type: single nucleotide variant.
Coding change: c.3858C>T on transcript NM_000051.4 (MANE Select); coding-DNA position 3858, C replaced by T.
Protein change: p.Cys1286=; no amino-acid change (cysteine 1286 retained).
Molecular consequence: synonymous variant.
Genome position (GRCh38, 1-based): chr11:108,284,338, C>T. VCF-style: chr11-108284338-C-T. GRCh37 (hg19) VCF-style: chr11-108155065-C-T.
Other names: c.3858C>T, p.Cys1286= (NM_001351834.2).
Identifiers: ClinVar variation 1735571 (VCV001735571.6), dbSNP rs2082381612, ClinGen allele CA476745050.

ClinVar aggregate classification (germline): Benign/Likely benign. Review status: criteria provided, multiple submitters, no conflicts (2 of 4 stars). 3 submissions from 3 submitters: Benign (1); Likely benign (2). Last evaluated 2026-01-15.

Conditions:
Ataxia-telangiectasia syndrome (AT). Also called: LOUIS-BAR SYNDROME; Cerebello-oculocutaneous telangiectasia; Immunodeficiency with ataxia telangiectasia; Ataxia-telangiectasia, complementation group D; AT, COMPLEMENTATION GROUP C; ATAXIA-TELANGIECTASIA, COMPLEMENTATION GROUP A. Identifiers: Orphanet 100, MedGen C0004135, MONDO:0008840, OMIM 208900.
Hereditary cancer-predisposing syndrome. Also called: Neoplastic Syndromes, Hereditary; Tumor predisposition; Hereditary Cancer Syndrome; Hereditary neoplastic syndrome. Identifiers: Orphanet 140162, MedGen C0027672, MeSH D009386, MONDO:0015356.
Familial cancer of breast. Also called: BREAST CANCER, FAMILIAL; Hereditary breast cancer; hereditary breast carcinoma. Identifiers: Orphanet 227535, MedGen C0346153, MONDO:0016419, OMIM 114480. Disease mechanism: loss of function.

Allele frequency attached by ClinVar (database versions not stated): TOPMed below 0.00001.

Submissions (3):

Labcorp Genetics (formerly Invitae), Labcorp
Classification: Likely benign for Ataxia-telangiectasia syndrome. Last evaluated: 2026-01-15. Review status: criteria provided, single submitter. Criteria: Invitae Variant Classification Sherloc (09022015). Collection method: clinical testing. Allele origin: germline.

Myriad Genetics, Inc.
Classification: Benign for Familial cancer of breast. Last evaluated: 2024-05-15. Review status: criteria provided, single submitter. Criteria: Myriad Autosomal Dominant, Autosomal Recessive and X-Linked Classification Criteria (2023). Collection method: clinical testing. Allele origin: unknown.
Comment: This variant is considered benign. This variant is a silent/synonymous amino acid change and it is not expected to impact splicing.

Ambry Genetics
Classification: Likely benign for Hereditary cancer-predisposing syndrome. Last evaluated: 2022-01-01. Review status: criteria provided, single submitter. Criteria: Ambry Variant Classification Scheme 2023. Collection method: clinical testing. Allele origin: germline.